The following is an entry in ClinVar:

ClinVar aggregate classification (germline): Conflicting classifications of pathogenicity. Review status: criteria provided, conflicting classifications (1 of 4 stars). 4 submissions from 4 submitters: Uncertain significance (2); Likely benign (2). Last evaluated 2024-01-15.

Conditions:
Early-onset myopathy with fatal cardiomyopathy (CMYO5). Also called: CONGENITAL MYOPATHY 5 WITH CARDIOMYOPATHY; Salih Myopathy. Identifiers: Orphanet 289377, MedGen C2673677, MONDO:0012714, OMIM 611705. Disease mechanism: loss of function.
Autosomal recessive limb-girdle muscular dystrophy type 2J (LGMDR10). Also called: MUSCULAR DYSTROPHY, LIMB-GIRDLE, AUTOSOMAL RECESSIVE 10; Limb-girdle muscular dystrophy, type 2J. Identifiers: Orphanet 140922, MedGen C1837342, MONDO:0012127, OMIM 608807.
Dilated cardiomyopathy 1G (CMD1G). Identifiers: Orphanet 154, MedGen C1858763, MONDO:0011400, OMIM 604145.
Myopathy, myofibrillar, 9, with early respiratory failure (MFM9). Also called: EDSTROM MYOPATHY; Hereditary myopathy with early respiratory failure; MYOPATHY, PROXIMAL, WITH EARLY RESPIRATORY MUSCLE INVOLVEMENT; Myopathy, distal, with early respiratory failure, autosomal dominant. Identifiers: Orphanet 178464, Orphanet 34521, MedGen C1863599, MONDO:0011362, OMIM 603689.
Tibial muscular dystrophy (TMD). Also called: Tibial muscular dystrophy, tardive; Udd Distal Myopathy – Tibial Muscular Dystrophy; UDD MYOPATHY. Identifiers: Orphanet 609, MedGen C1838244, MONDO:0010870, OMIM 600334.
Hypertrophic cardiomyopathy 9. Also called: Familial hypertrophic cardiomyopathy 9. Identifiers: MedGen C1861065, MONDO:0013412, OMIM 613765.
Cardiomyopathy (CMYO). Also called: Cardiomyopathies. Identifiers: Orphanet 167848, MedGen C0878544, MONDO:0004994, HP:0001638. Inheritance: Various modes of inheritance.

Allele frequency attached by ClinVar (database versions not stated): gnomAD exomes 0.00002; TOPMed 0.00002; ExAC 0.00005; ESP Exome Variant Server 0.00008; gnomAD 0.00001.
gnomAD v4.1: 24 of 1,613,540 alleles (0.0015%); highest among the groups gnomAD compares: Non-Finnish European, 0.002%; no homozygotes.

Submissions (4):

Blueprint Genetics
Classification: Likely benign. Last evaluated: 2024-01-15. Review status: criteria provided, single submitter. Criteria: ACMG Guidelines, 2015. Collection method: clinical testing. Allele origin: germline.

CHEO Genetics Diagnostic Laboratory, Children's Hospital of Eastern Ontario
Classification: Likely benign for Cardiomyopathy. Last evaluated: 2023-05-16. Review status: criteria provided, single submitter. Criteria: ACMG Guidelines, 2015. Collection method: clinical testing. Allele origin: germline.

Fulgent Genetics
Classification: Uncertain significance for Tibial muscular dystrophy; Myopathy, myofibrillar, 9, with early respiratory failure; Dilated cardiomyopathy 1G; Autosomal recessive limb-girdle muscular dystrophy type 2J; Early-onset myopathy with fatal cardiomyopathy; Hypertrophic cardiomyopathy 9. Last evaluated: 2021-08-12. Review status: criteria provided, single submitter. Criteria: ACMG Guidelines, 2015. Collection method: clinical testing. Allele origin: unknown.

GeneDx
Classification: Uncertain significance. Last evaluated: 2013-08-12. Review status: criteria provided, single submitter. Criteria: GeneDx Variant Classification (06012015). Collection method: clinical testing. Allele origin: germline. Affected: yes.
Comment: Missense variants in the TTN gene are considered 'unclassified' if they are not previously reported in the literature and do not have >1% frequency in the population to be considered a polymorphism. Research indicates that truncating mutations in the TTN gene are expected to account for approximately 25% of familial and 18% of sporadic idiopathic DCM; however, truncating variants in the TTN gene have been reported in approximately 3% of reported control alleles. There has been little investigation into non-truncating variants. (Herman D et al. Truncations of titin causing dilated cardiomyopathy. N Eng J Med 366:619-628, 2012) The variant is found in DCM panel(s).

NM_001267550.2(TTN):c.79909G>A (p.Val26637Ile)

Genes: TTN (titin; minus strand), TTN-AS1 (TTN antisense RNA 1; plus strand). Cytogenetic location: 2q31.2.
Variant type: single nucleotide variant.
Coding change: c.79909G>A on transcript NM_001267550.2 (MANE Select); coding-DNA position 79909, G replaced by A.
Protein change: p.Val26637Ile; replaces valine 26637 with isoleucine.
Molecular consequence: missense variant.
Genome position (GRCh38, 1-based): chr2:178,566,223, C>T on the plus strand (G>A on the coding strand, the complement: TTN is on the minus strand). VCF-style: chr2-178566223-C-T. GRCh37 (hg19) VCF-style: chr2-179430950-C-T.
Other names: p.V24996I:GTC>ATC; c.74986G>A, p.Val24996Ile (NM_001256850.1); c.52714G>A, p.Val17572Ile (NM_003319.4); c.72205G>A, p.Val24069Ile (NM_133378.4); c.53089G>A, p.Val17697Ile (NM_133432.3); c.53290G>A, p.Val17764Ile (NM_133437.4); short protein forms V24996I, V26637I, V17572I, V17764I, V24069I, V17697I.
Identifiers: ClinVar variation 202896 (VCV000202896.5), dbSNP rs375605062, ClinGen allele CA310620.